The following is an entry in ClinVar:

ClinVar aggregate classification (germline): Uncertain significance (1 of 4 stars; one submission).

Allele frequency attached by ClinVar (database versions not stated): TOPMed below 0.00001.

Submission:

Ambry Genetics
Classification: Uncertain significance. Last evaluated: 2024-03-04. Review status: criteria provided, single submitter. Criteria: Ambry Variant Classification Scheme 2023. Collection method: clinical testing. Allele origin: germline.
Comment: The p.S206P variant (also known as c.616T>C), located in coding exon 1 of the PALLD gene, results from a T to C substitution at nucleotide position 616. The serine at codon 206 is replaced by proline, an amino acid with similar properties. This amino acid position is conserved. In addition, this alteration is predicted to be tolerated by in silico analysis. Based on the available evidence, the clinical significance of this alteration remains unclear.

NM_001166108.2(PALLD):c.616T>C (p.Ser206Pro)

Gene: PALLD (palladin, cytoskeletal associated protein; plus strand). Cytogenetic location: 4q32.3.
Variant type: single nucleotide variant.
Coding change: c.616T>C on transcript NM_001166108.2 (MANE Select); coding-DNA position 616, T replaced by C.
Protein change: p.Ser206Pro; replaces serine 206 with proline.
Molecular consequence: missense variant.
Genome position (GRCh38, 1-based): chr4:168,512,120, T>C. VCF-style: chr4-168512120-T-C. GRCh37 (hg19) VCF-style: chr4-169433271-T-C.
Other names: c.616T>C, p.Ser206Pro (NM_016081.4); short protein forms S206P.
Identifiers: ClinVar variation 3226831 (VCV003226831.1), dbSNP rs974217482, ClinGen allele CA109883494.
Genomic context (GRCh38, chr4:168,512,120, plus strand): 5'-GCAAAGCCAAGAAACAGAAGCCCAAATGGGGAGTCCTCGTCACCAGACAGTGGGTACCTG[T>C]CTCCTAAAAATCAGCCGTCAGCCCTGCTGAGTGCCTCAGCCAGCCAGAGCCCTATGGAAG-3'
Protein context (NP_001159580.1, residues 196-216): ESSSPDSGYL[Ser206Pro]PKNQPSALLS